The following is an entry in ClinVar:

ClinVar aggregate classification (germline): Uncertain significance (1 of 4 stars; one submission).

Submission:

GeneDx
Classification: Uncertain significance. Last evaluated: 2019-11-11. Review status: criteria provided, single submitter. Criteria: GeneDx Variant Classification Process June 2021. Collection method: clinical testing. Allele origin: germline. Affected: yes.
Comment: Has not been previously published as pathogenic or benign to our knowledge; Not observed in large population cohorts (Lek et al., 2016); In silico analysis, which includes protein predictors and evolutionary conservation, supports that this variant does not alter protein structure/function

NM_002317.7(LOX):c.340_341delinsTA (p.Ala114Tyr)

Genes: LOX (lysyl oxidase; minus strand), SRFBP1 (serum response factor binding protein 1; plus strand). Cytogenetic location: 5q23.1.
Variant type: Indel.
Coding change: c.340_341delinsTA on transcript NM_002317.7 (MANE Select); coding-DNA positions 340 to 341, GC replaced by TA.
Protein change: p.Ala114Tyr; replaces alanine 114 with tyrosine.
Molecular consequence: missense variant.
Genome position (GRCh38, 1-based): chr5:122,077,645-122,077,646, GC replaced by TA on the plus strand (GC replaced by TA on the coding strand, the reverse complement: LOX is on the minus strand). VCF-style: chr5-122077645-GC-TA. GRCh37 (hg19) VCF-style: chr5-121413340-GC-TA.
Other names: short protein forms A114Y.
Identifiers: ClinVar variation 1310281 (VCV001310281.2), dbSNP rs2152591448, ClinGen allele CA2573052401.